The following is an entry in ClinVar:

ClinVar aggregate classification (germline): Uncertain significance. Review status: criteria provided, multiple submitters, no conflicts (2 of 4 stars). 3 submissions from 3 submitters: Uncertain significance (3). Last evaluated 2024-11-28.

Conditions:
Developmental and epileptic encephalopathy, 64. Also called: EPILEPTIC ENCEPHALOPATHY, EARLY INFANTILE, 64. Identifiers: MedGen C4693899, MONDO:0033373, OMIM 618004.

Allele frequency attached by ClinVar (database versions not stated): gnomAD exomes below 0.00001; TOPMed 0.00001.
gnomAD v4.1: 4 of 1,613,580 alleles (0.00025%); highest among the groups gnomAD compares: South Asian, 0.0011%; no homozygotes.

Submissions (3):

Labcorp Genetics (formerly Invitae), Labcorp
Classification: Uncertain significance. Last evaluated: 2024-11-28. Review status: criteria provided, single submitter. Criteria: Invitae Variant Classification Sherloc (09022015). Collection method: clinical testing. Allele origin: germline.
Comment: This sequence change creates a premature translational stop signal (p.Arg92*) in the RHOBTB2 gene. It is expected to result in an absent or disrupted protein product. However, the current clinical and genetic evidence is not sufficient to establish whether loss-of-function variants in RHOBTB2 cause disease. This variant is not present in population databases (gnomAD no frequency). This variant has not been reported in the literature in individuals affected with RHOBTB2-related conditions. ClinVar contains an entry for this variant (Variation ID: 1027644). In summary, the available evidence is currently insufficient to determine the role of this variant in disease. Therefore, it has been classified as a Variant of Uncertain Significance.

CeGaT Center for Human Genetics Tuebingen
Classification: Uncertain significance. Last evaluated: 2022-03-01. Review status: criteria provided, single submitter. Criteria: CeGaT Center For Human Genetics Tuebingen Variant Classification Criteria Version 2. Collection method: clinical testing. Allele origin: germline. Affected: yes. Observed: 1 variant allele.
Comment: RHOBTB2: PM2

Breda Genetics srl
Classification: Uncertain significance for Developmental and epileptic encephalopathy, 64. Last evaluated: 2020-10-23. Review status: criteria provided, single submitter. Criteria: ACMG Guidelines, 2015. Collection method: clinical testing. Allele origin: germline. Inheritance: Autosomal dominant inheritance. Affected: yes. Observed: 1 variant allele, 1 heterozygote.
Comment: The variant c.274C>T (p.Arg92*) in the RHOBTB2 is predicted to create a premature stop codon at amino acid position Arg92, which is likely to result in a truncated protein or protein loss due to nonsense-mediated messenger decay (NMD). There is no information on frequency in gnomAD, 1000 Genomes or NHLI Exome Sequencing Project (ESP). It is important to highlight that only missense variants have been reported as pathogenic so far, as RHOBTB2 mutations seem to result more likely in altered protein function rather than haploinsufficiency or a loss of function (Straub et al., 2018, PMID: 29276004). Therefore, despite its predicted impact as nonsense mutation, we interpret this variant as of uncertain significance, without excluding the possibility that itâ€™s actually a rare benign variant.

Literature cited by the submitters: PubMed 29276004 (cited by Breda Genetics srl).

NM_015178.3(RHOBTB2):c.208C>T (p.Arg70Ter)

Genes: RHOBTB2 (Rho related BTB domain containing 2; plus strand), RHOBTB2-AS1 (RHOBTB2 antisense RNA 1; minus strand). Cytogenetic location: 8p21.3.
Variant type: single nucleotide variant.
Coding change: c.208C>T on transcript NM_015178.3 (MANE Select); coding-DNA position 208, C replaced by T.
Protein change: p.Arg70Ter; replaces arginine 70 with a stop codon.
Molecular consequence: nonsense.
Genome position (GRCh38, 1-based): chr8:23,005,387, C>T. VCF-style: chr8-23005387-C-T. GRCh37 (hg19) VCF-style: chr8-22862900-C-T.
Other names: c.274C>T, p.Arg92Ter (NM_001160036.2); c.229C>T, p.Arg77Ter (NM_001160037.2); c.208C>T, p.Arg70Ter (NM_001374791.1); short protein forms R70*, R77*, R92*.
Identifiers: ClinVar variation 1027644 (VCV001027644.30), dbSNP rs1215059455, ClinGen allele CA370560206.